The following is an entry in ClinVar:

ClinVar aggregate classification (germline): Likely benign. Review status: criteria provided, single submitter (1 of 4 stars). 2 submissions from 2 submitters: Likely benign (1). 1 of the submissions does not count toward it. Last evaluated 2024-03-10.

Conditions:
FREM2-related disorder. Also called: FREM2-related condition.

Allele frequency attached by ClinVar (database versions not stated): gnomAD exomes 0.00001; gnomAD 0.00003; ExAC 0.00004; TOPMed 0.00005; ESP Exome Variant Server 0.00008.
gnomAD v4.1: 19 of 1,613,736 alleles (0.0012%); highest among the groups gnomAD compares: African/African-American, 0.016%; no homozygotes.

Submissions (2):

Labcorp Genetics (formerly Invitae), Labcorp
Classification: Likely benign. Last evaluated: 2024-03-10. Review status: criteria provided, single submitter. Criteria: Invitae Variant Classification Sherloc (09022015). Collection method: clinical testing. Allele origin: germline.

PreventionGenetics, part of Exact Sciences
Classification: Likely benign for FREM2-related condition. Last evaluated: 2020-09-23. Review status: no assertion criteria provided. Collection method: clinical testing. Allele origin: germline. Not counted in ClinVar's aggregate classification.
Comment: This variant is classified as likely benign based on ACMG/AMP sequence variant interpretation guidelines (Richards et al. 2015 PMID: 25741868, with internal and published modifications).

NM_207361.6(FREM2):c.5676C>T (p.Ser1892=)

Gene: FREM2 (FRAS1 related extracellular matrix 2; plus strand). Cytogenetic location: 13q13.3.
Variant type: single nucleotide variant.
Coding change: c.5676C>T on transcript NM_207361.6 (MANE Select); coding-DNA position 5676, C replaced by T.
Protein change: p.Ser1892=; no amino-acid change (serine 1892 retained).
Molecular consequence: synonymous variant.
Genome position (GRCh38, 1-based): chr13:38,783,104, C>T. VCF-style: chr13-38783104-C-T. GRCh37 (hg19) VCF-style: chr13-39357241-C-T.
Other names: c.5676C>T (NM_207361.5).
Identifiers: ClinVar variation 2891099 (VCV002891099.5), dbSNP rs375533736, ClinGen allele CA6955316.